The following is an entry in ClinVar:

NM_015047.3(EMC1):c.897C>G (p.His299Gln)

Genes: EMC1 (ER membrane protein complex subunit 1; minus strand), EMC1-AS1 (EMC1 antisense RNA 1; plus strand). Cytogenetic location: 1p36.13.
Variant type: single nucleotide variant.
Coding change: c.897C>G on transcript NM_015047.3 (MANE Select); coding-DNA position 897, C replaced by G.
Protein change: p.His299Gln; replaces histidine 299 with glutamine.
Molecular consequence: missense variant.
Genome position (GRCh38, 1-based): chr1:19,239,875, G>C on the plus strand (C>G on the coding strand, the complement: EMC1 is on the minus strand). VCF-style: chr1-19239875-G-C. GRCh37 (hg19) VCF-style: chr1-19566369-G-C.
Other names: c.897C>G, p.His299Gln (NM_001271427.2, NM_001271428.2, NM_001375820.1 and 1 more transcripts); c.831C>G, p.His277Gln (NM_001271429.2); short protein forms H277Q, H299Q.
Identifiers: ClinVar variation 3690290 (VCV003690290.2).

ClinVar aggregate classification (germline): Uncertain significance (1 of 4 stars; one submission).

gnomAD v4.1: 1 of 1,614,206 alleles (0.000062%); highest among the groups gnomAD compares: Non-Finnish European, 0.000085%; no homozygotes.

Submission:

Labcorp Genetics (formerly Invitae), Labcorp
Classification: Uncertain significance. Last evaluated: 2024-07-16. Review status: criteria provided, single submitter. Criteria: Invitae Variant Classification Sherloc (09022015). Collection method: clinical testing. Allele origin: germline.
Comment: This sequence change replaces histidine, which is basic and polar, with glutamine, which is neutral and polar, at codon 299 of the EMC1 protein (p.His299Gln). This variant is not present in population databases (gnomAD no frequency). This variant has not been reported in the literature in individuals affected with EMC1-related conditions. Advanced modeling of protein sequence and biophysical properties (such as structural, functional, and spatial information, amino acid conservation, physicochemical variation, residue mobility, and thermodynamic stability) performed at Invitae indicates that this missense variant is not expected to disrupt EMC1 protein function with a negative predictive value of 80%. In summary, the available evidence is currently insufficient to determine the role of this variant in disease. Therefore, it has been classified as a Variant of Uncertain Significance.